The following is an entry in ClinVar:

ClinVar aggregate classification (germline): Uncertain significance (1 of 4 stars; one submission).

Submission:

Women's Health and Genetics/Laboratory Corporation of America, LabCorp
Classification: Uncertain significance. Last evaluated: 2025-09-10. Review status: criteria provided, single submitter. Criteria: LabCorp Variant Classification Summary - May 2015. Collection method: clinical testing. Allele origin: germline.
Comment: Variant summary: HK1 c.-24952_-6202dup18751 is located in the untranscribed region upstream of the HK1 gene region. A similar large duplication (Size 18,370) was found at a frequency of 6.5e-05 in 123614 control chromosomes, predominantly at a frequency of 0.0014 within the South Asian subpopulation in the gnomAD database (Structural Variants v4.1 dataset). These data indicate that the variant may be associated with disease. To our knowledge, no experimental evidence demonstrating an impact on protein function has been reported. No submitters have cited clinical-significance assessments for this variant to ClinVar. The following publication have been ascertained in the context of this evaluation (PMID: 40862242). Based on the evidence outlined above, the variant was classified as VUS-possibly pathogenic.

Literature cited by the submitters: PubMed 40862242.

NM_000188.3:c.-24952_-6202dup18751

Gene: HK1 (hexokinase 1; plus strand).
Variant type: Duplication.
Other names: c.-24952_-6202dup18751 (NM_000188.3).
Identifiers: ClinVar variation 4535604 (VCV004535604.1).